The following is an entry in ClinVar:

ClinVar aggregate classification (germline): Pathogenic/Likely pathogenic. Review status: criteria provided, multiple submitters, no conflicts (2 of 4 stars). 2 submissions from 2 submitters: Pathogenic (1); Likely pathogenic (1). Last evaluated 2024-08-29.

Conditions:
Marfan syndrome (MFS). Also called: MARFAN SYNDROME, TYPE I; FBN1-Related Marfan Syndrome; Marfan syndrome type 1; Marfan's syndrome; Marfan syndrome, classic. Identifiers: Orphanet 284963, Orphanet 558, MedGen C0024796, MONDO:0007947, OMIM 154700.
Familial thoracic aortic aneurysm and aortic dissection (TAAD). Also called: Thoracic aortic aneurysms and dissections. Identifiers: Orphanet 91387, MedGen C4707243, MONDO:0019625.

Submissions (2):

GeneDx
Classification: Likely pathogenic. Last evaluated: 2024-08-29. Review status: criteria provided, single submitter. Criteria: GeneDx Variant Classification Process June 2021. Collection method: clinical testing. Allele origin: germline. Affected: yes.
Comment: Canonical splice site variant predicted to result in an in-frame loss of the adjacent exon in a gene for which loss of function is a known mechanism of disease; Not observed at significant frequency in large population cohorts (gnomAD); This variant is associated with the following publications: (PMID: 33648514, 31211624)

Labcorp Genetics (formerly Invitae), Labcorp
Classification: Pathogenic for Marfan syndrome; Familial thoracic aortic aneurysm and aortic dissection. Last evaluated: 2023-09-06. Review status: criteria provided, single submitter. Criteria: Invitae Variant Classification Sherloc (09022015). Collection method: clinical testing. Allele origin: germline.
Comment: This sequence change affects an acceptor splice site in intron 5 of the FBN1 gene. It is expected to disrupt RNA splicing. Variants that disrupt the donor or acceptor splice site typically lead to a loss of protein function (PMID: 16199547), and loss-of-function variants in FBN1 are known to be pathogenic (PMID: 17657824, 19293843). This variant is not present in population databases (gnomAD no frequency). Disruption of this splice site has been observed in individuals with clinical features of Marfan syndrome (PMID: 31211624; Invitae). ClinVar contains an entry for this variant (Variation ID: 457213). Algorithms developed to predict the effect of sequence changes on RNA splicing suggest that this variant may disrupt the consensus splice site. For these reasons, this variant has been classified as Pathogenic.

Literature cited by the submitters: PubMed 16199547 (cited by Labcorp Genetics (formerly Invitae), Labcorp); PubMed 17657824 (cited by Labcorp Genetics (formerly Invitae), Labcorp); PubMed 19293843 (cited by Labcorp Genetics (formerly Invitae), Labcorp); PubMed 31211624 (cited by Labcorp Genetics (formerly Invitae), Labcorp).

NM_000138.5(FBN1):c.443-1G>A

Gene: FBN1 (fibrillin 1; minus strand). Cytogenetic location: 15q21.1.
Variant type: single nucleotide variant.
Coding change: c.443-1G>A on transcript NM_000138.5 (MANE Select); the canonical splice acceptor site of the intron before coding-DNA position 443, G replaced by A.
Molecular consequence: splice acceptor variant.
Genome position (GRCh38, 1-based): chr15:48,596,379, C>T on the plus strand (G>A on the coding strand, the complement: FBN1 is on the minus strand). VCF-style: chr15-48596379-C-T. GRCh37 (hg19) VCF-style: chr15-48888576-C-T.
Other names: c.443-1G>A (NM_001406716.1, NM_001406717.1).
Identifiers: ClinVar variation 457213 (VCV000457213.10), dbSNP rs1555404821, ClinGen allele CA392446422.